The following is an entry in ClinVar:

ClinVar aggregate classification (germline): Uncertain significance. Review status: criteria provided, multiple submitters, no conflicts (2 of 4 stars). 3 submissions from 3 submitters: Uncertain significance (3). Last evaluated 2026-06-23.

Conditions:
MYO7A-related disorder. Also called: MYO7A-related disorders.

Allele frequency attached by ClinVar (database versions not stated): gnomAD 0.00001; TOPMed 0.00002.
gnomAD v4.1: 16 of 1,579,646 alleles (0.001%); highest among the groups gnomAD compares: Non-Finnish European, 0.0012%; no homozygotes.

Submissions (3):

PreventionGenetics, part of Exact Sciences
Classification: Uncertain significance for MYO7A-related condition. Last evaluated: 2026-06-23. Review status: criteria provided, single submitter. Criteria: ACMG Guidelines, 2015. Collection method: clinical testing. Allele origin: germline.
Comment: The MYO7A c.1449C>G variant is predicted to result in the amino acid substitution p.Asp483Glu. To our knowledge, this variant has not been reported in the literature. This variant is reported in 0.0010% of alleles in individuals of European (Non-Finnish) descent in gnomAD. At this time, the clinical significance of this variant is uncertain due to the absence of conclusive functional and genetic evidence.

Blueprint Genetics
Classification: Uncertain significance. Last evaluated: 2022-08-23. Review status: criteria provided, single submitter. Criteria: ACMG Guidelines, 2015. Collection method: clinical testing. Allele origin: germline.

Labcorp Genetics (formerly Invitae), Labcorp
Classification: Uncertain significance. Last evaluated: 2021-12-20. Review status: criteria provided, single submitter. Criteria: Invitae Variant Classification Sherloc (09022015). Collection method: clinical testing. Allele origin: germline.
Comment: This sequence change replaces aspartic acid, which is acidic and polar, with glutamic acid, which is acidic and polar, at codon 483 of the MYO7A protein (p.Asp483Glu). This variant is present in population databases (rs781884347, gnomAD 0.001%). This variant has not been reported in the literature in individuals affected with MYO7A-related conditions. Advanced modeling of protein sequence and biophysical properties (such as structural, functional, and spatial information, amino acid conservation, physicochemical variation, residue mobility, and thermodynamic stability) performed at Invitae indicates that this missense variant is not expected to disrupt MYO7A protein function. In summary, the available evidence is currently insufficient to determine the role of this variant in disease. Therefore, it has been classified as a Variant of Uncertain Significance.

NM_000260.4(MYO7A):c.1449C>G (p.Asp483Glu)

Gene: MYO7A (myosin VIIA; plus strand). Cytogenetic location: 11q13.5.
Variant type: single nucleotide variant.
Coding change: c.1449C>G on transcript NM_000260.4 (MANE Select); coding-DNA position 1449, C replaced by G.
Protein change: p.Asp483Glu; replaces aspartic acid 483 with glutamic acid.
Molecular consequence: missense variant.
Genome position (GRCh38, 1-based): chr11:77,162,225, C>G. VCF-style: chr11-77162225-C-G. GRCh37 (hg19) VCF-style: chr11-76873271-C-G.
Other names: c.1449C>G, p.Asp483Glu (NM_001127180.2); c.1416C>G, p.Asp472Glu (NM_001369365.1); c.1449C>G (NM_000260.3); short protein forms D472E, D483E.
Identifiers: ClinVar variation 2150271 (VCV002150271.3), dbSNP rs781884347, ClinGen allele CA6197499.